The following is an entry in ClinVar:

ClinVar aggregate classification (germline): Likely pathogenic (1 of 4 stars; one submission).

Submission:

GeneDx
Classification: Likely pathogenic. Last evaluated: 2025-07-09. Review status: criteria provided, single submitter. Criteria: GeneDx Variant Classification Process June 2021. Collection method: clinical testing. Allele origin: germline.
Comment: Frameshift variant predicted to result in protein truncation or nonsense mediated decay in a gene for which loss of function is a known mechanism of disease; Not observed at significant frequency in large population cohorts (gnomAD); Has not been previously published as pathogenic or benign to our knowledge

NM_001376.5(DYNC1H1):c.415dup (p.Thr139fs)

Gene: DYNC1H1 (dynein cytoplasmic 1 heavy chain 1; plus strand). Cytogenetic location: 14q32.31.
Variant type: Duplication.
Coding change: c.415dup on transcript NM_001376.5 (MANE Select); coding-DNA position 415, one base duplicated (A; older notation c.415dupA).
Protein change: p.Thr139fs; shifts the reading frame from threonine 139.
Molecular consequence: frameshift variant.
Genome position (GRCh38, 1-based): chr14:101,979,389, A duplicated. VCF-style (leftmost placement, unchanged base first): chr14-101979388-T-TA. GRCh37 (hg19) VCF-style: chr14-102445725-T-TA.
Other names: short protein forms T139fs.
Identifiers: ClinVar variation 3769865 (VCV003769865.2).